The following is an entry in ClinVar:

NM_001903.5(CTNNA1):c.349T>A (p.Ser117Thr)

Gene: CTNNA1 (catenin alpha 1; plus strand). Cytogenetic location: 5q31.2.
Variant type: single nucleotide variant.
Coding change: c.349T>A on transcript NM_001903.5 (MANE Select); coding-DNA position 349, T replaced by A.
Protein change: p.Ser117Thr; replaces serine 117 with threonine.
Molecular consequence: missense variant. On other transcripts: intron variant (1).
Genome position (GRCh38, 1-based): chr5:138,810,085, T>A. VCF-style: chr5-138810085-T-A. GRCh37 (hg19) VCF-style: chr5-138145774-T-A.
Other names: c.349T>A, p.Ser117Thr (NM_001290307.3, NM_001323982.2, NM_001323983.1 and 3 more transcripts); c.40T>A, p.Ser14Thr (NM_001290309.3); c.-5-16T>A (NM_001290310.3); short protein forms S117T, S14T.
Identifiers: ClinVar variation 4869489 (VCV004869489.1).

ClinVar aggregate classification (germline): Uncertain significance (1 of 4 stars; one submission).

Conditions:
Hereditary cancer-predisposing syndrome. Also called: Neoplastic Syndromes, Hereditary; Tumor predisposition; Hereditary Cancer Syndrome; Hereditary neoplastic syndrome. Identifiers: Orphanet 140162, MedGen C0027672, MeSH D009386, MONDO:0015356.

Submission:

Ambry Genetics
Classification: Uncertain significance for Hereditary cancer-predisposing syndrome. Last evaluated: 2026-05-18. Review status: criteria provided, single submitter. Criteria: Ambry Variant Classification Scheme 2023. Collection method: clinical testing. Allele origin: germline.
Comment: The p.S117T variant (also known as c.349T>A), located in coding exon 3 of the CTNNA1 gene, results from a T to A substitution at nucleotide position 349. The serine at codon 117 is replaced by threonine, an amino acid with similar properties. This amino acid position is conserved. In addition, the in silico prediction for this alteration is inconclusive. Based on the available evidence, the clinical significance of this variant remains unclear.